The following is an entry in ClinVar:

ClinVar aggregate classification (germline): Pathogenic (1 of 4 stars; one submission).

Conditions:
Gorlin syndrome. Also called: Nevoid Basal Cell Carcinoma Syndrome; Basal cell nevus syndrome. Identifiers: Orphanet 377, MedGen C0004779, MONDO:0007187.

Submission:

Labcorp Genetics (formerly Invitae), Labcorp
Classification: Pathogenic for Gorlin syndrome. Last evaluated: 2025-11-11. Review status: criteria provided, single submitter. Criteria: Invitae Variant Classification Sherloc (09022015). Collection method: clinical testing. Allele origin: germline.
Comment: This sequence change creates a premature translational stop signal (p.Tyr273Ilefs*10) in the PTCH1 gene. It is expected to result in an absent or disrupted protein product. Loss-of-function variants in PTCH1 are known to be pathogenic (PMID: 16301862, 16419085). This variant is not present in population databases (gnomAD no frequency). This variant has not been reported in the literature in individuals affected with PTCH1-related conditions. For these reasons, this variant has been classified as Pathogenic.

Literature cited by the submitters: PubMed 16301862; PubMed 16419085.

NM_000264.5(PTCH1):c.817del (p.Tyr273fs)

Gene: PTCH1 (patched 1; minus strand). Cytogenetic location: 9q22.32.
Variant type: Deletion.
Coding change: c.817del on transcript NM_000264.5 (MANE Select); coding-DNA position 817, one base deleted (T; older notation c.817delT).
Protein change: p.Tyr273fs; shifts the reading frame from tyrosine 273.
Molecular consequence: frameshift variant. On other transcripts: non-coding transcript variant (1).
Genome position (GRCh38, 1-based): chr9:95,480,518, A deleted on the plus strand (T on the coding strand, the reverse complement: PTCH1 is on the minus strand). VCF-style (leftmost placement, unchanged base first): chr9-95480517-TA-T. GRCh37 (hg19) VCF-style: chr9-98242799-TA-T.
Other names: c.364del, p.Tyr122fs (NM_001083606.3, NM_001083607.3, NM_001083604.3 and 1 more transcripts); c.817del, p.Tyr273fs (NM_001354918.2); c.619del, p.Tyr207fs (NM_001083602.3); c.814del, p.Tyr272fs (NM_001083603.3); short protein forms Y207fs, Y272fs, Y273fs, Y122fs.
Identifiers: ClinVar variation 4730977 (VCV004730977.1).